The following is an entry in ClinVar:

NM_001283009.2(RTEL1):c.2887C>T (p.Gln963Ter)

Genes: RTEL1 (regulator of telomere elongation helicase 1; plus strand), RTEL1-TNFRSF6B (RTEL1-TNFRSF6B readthrough (NMD candidate); plus strand). Cytogenetic location: 20q13.33.
Variant type: single nucleotide variant.
Coding change: c.2887C>T on transcript NM_001283009.2 (MANE Select); coding-DNA position 2887, C replaced by T.
Protein change: p.Gln963Ter; replaces glutamine 963 with a stop codon.
Molecular consequence: nonsense. On other transcripts: non-coding transcript variant (1).
Genome position (GRCh38, 1-based): chr20:63,693,178, C>T. VCF-style: chr20-63693178-C-T. GRCh37 (hg19) VCF-style: chr20-62324531-C-T.
Other names: c.2218C>T, p.Gln740Ter (NM_001283010.1); c.2887C>T, p.Gln963Ter (NM_016434.4); c.2959C>T, p.Gln987Ter (NM_032957.5); short protein forms Q740*, Q963*, Q987*.
Identifiers: ClinVar variation 2934635 (VCV002934635.3), dbSNP rs1389016317, ClinGen allele CA409683242.

ClinVar aggregate classification (germline): Pathogenic (1 of 4 stars; one submission).

Conditions:
Dyskeratosis congenita, autosomal recessive 5 (DKCB5). Identifiers: MedGen C3554656, MONDO:0014076, OMIM 615190.
Pulmonary fibrosis and/or bone marrow failure, Telomere-related, 3. Also called: PULMONARY FIBROSIS AND/OR BONE MARROW FAILURE SYNDROME, TELOMERE-RELATED, 3. Identifiers: Orphanet 2032, MedGen C4225346, MONDO:0014613, OMIM 616373.

Submission:

Labcorp Genetics (formerly Invitae), Labcorp
Classification: Pathogenic for Dyskeratosis congenita, autosomal recessive 5; Pulmonary fibrosis and/or bone marrow failure, Telomere-related, 3. Last evaluated: 2023-01-28. Review status: criteria provided, single submitter. Criteria: Invitae Variant Classification Sherloc (09022015). Collection method: clinical testing. Allele origin: germline.
Comment: For these reasons, this variant has been classified as Pathogenic. This variant has not been reported in the literature in individuals affected with RTEL1-related conditions. This variant is not present in population databases (gnomAD no frequency). This sequence change creates a premature translational stop signal (p.Gln963*) in the RTEL1 gene. It is expected to result in an absent or disrupted protein product. Loss-of-function variants in RTEL1 are known to be pathogenic (PMID: 23453664, 23959892, 25607374).

Literature cited by the submitters: PubMed 23453664; PubMed 23959892; PubMed 25607374.